The following is an entry in ClinVar:

ClinVar aggregate classification (germline): Uncertain significance (1 of 4 stars; one submission).

Conditions:
Hereditary cancer-predisposing syndrome. Also called: Neoplastic Syndromes, Hereditary; Tumor predisposition; Hereditary Cancer Syndrome; Hereditary neoplastic syndrome. Identifiers: Orphanet 140162, MedGen C0027672, MeSH D009386, MONDO:0015356.

Submission:

Ambry Genetics
Classification: Uncertain significance for Hereditary cancer-predisposing syndrome. Last evaluated: 2022-07-10. Review status: criteria provided, single submitter. Criteria: Ambry Variant Classification Scheme 2023. Collection method: clinical testing. Allele origin: germline.
Comment: The p.S111T variant (also known as c.332G>C), located in coding exon 2 of the MSH3 gene, results from a G to C substitution at nucleotide position 332. The serine at codon 111 is replaced by threonine, an amino acid with similar properties. This amino acid position is conserved. In addition, this alteration is predicted to be tolerated by in silico analysis. Since supporting evidence is limited at this time, the clinical significance of this alteration remains unclear.

NM_002439.5(MSH3):c.332G>C (p.Ser111Thr)

Gene: MSH3 (mutS homolog 3; plus strand). Cytogenetic location: 5q14.1.
Variant type: single nucleotide variant.
Coding change: c.332G>C on transcript NM_002439.5 (MANE Select); coding-DNA position 332, G replaced by C.
Protein change: p.Ser111Thr; replaces serine 111 with threonine.
Molecular consequence: missense variant.
Genome position (GRCh38, 1-based): chr5:80,656,505, G>C. VCF-style: chr5-80656505-G-C. GRCh37 (hg19) VCF-style: chr5-79952324-G-C.
Other names: short protein forms S111T.
Identifiers: ClinVar variation 1730302 (VCV001730302.2), dbSNP rs2546712276, ClinGen allele CA360266495.